The following is an entry in ClinVar:

ClinVar aggregate classification (germline): Pathogenic. Review status: criteria provided, multiple submitters, no conflicts (2 of 4 stars). 7 submissions from 7 submitters: Pathogenic (7). Last evaluated 2026-05-07.

Conditions:
Pigmentary skin disorders.
OCA2-related disorder. Also called: OCA2-related condition.
Oculocutaneous albinism. Identifiers: Orphanet 55, MedGen C0078918, MONDO:0018910.
Tyrosinase-positive oculocutaneous albinism (OCA2). Also called: Albinism, oculocutaneous, type II; Oculocutaneous albinism type 2; ALBINISM II. Identifiers: Orphanet 79432, MedGen C0268495, MONDO:0008746, OMIM 203200.

Submissions (7):

Genetics Laboratory, Great Ormond Street Hospital NHS Foundation Trust, North Thames Genomic Laboratory Hub
Classification: Pathogenic for Pigmentary skin disorders. Last evaluated: 2026-05-07. Review status: criteria provided, single submitter. Criteria: ACGS Best Practice Guidelines for Variant Classification in Rare Disease 2024 v1.2. Collection method: clinical testing. Allele origin: germline. Affected: yes.
Comment: PM2_moderate, PVS1_very-strong

Labcorp Genetics (formerly Invitae), Labcorp
Classification: Pathogenic. Last evaluated: 2025-12-15. Review status: criteria provided, single submitter. Criteria: Invitae Variant Classification Sherloc (09022015). Collection method: clinical testing. Allele origin: germline.
Comment: This sequence change creates a premature translational stop signal (p.Phe685Leufs*7) in the OCA2 gene. It is expected to result in an absent or disrupted protein product. Loss-of-function variants in OCA2 are known to be pathogenic (PMID: 19865097, 21541274). This variant is present in population databases (rs772595552, gnomAD 0.004%). This premature translational stop signal has been observed in individual(s) with oculocutaneous albinism (PMID: 23504663). ClinVar contains an entry for this variant (Variation ID: 430966). For these reasons, this variant has been classified as Pathogenic.

PreventionGenetics, part of Exact Sciences
Classification: Pathogenic for OCA2-related condition. Last evaluated: 2025-04-24. Review status: criteria provided, single submitter. Criteria: ACMG Guidelines, 2015. Collection method: clinical testing. Allele origin: germline.
Comment: The OCA2 c.2055delT variant is predicted to result in a frameshift and premature protein termination (p.Phe685Leufs*7). This variant has been reported in individuals with oculocutaneous albinism II (reported as c.2050delT in Oetting et al. 2005. PubMed ID: 15712365; Simeonov et al. 2013. PubMed ID: 23504663). This variant is present in 0.0044% of alleles in individuals of European (Non-Finnish) descent in gnomAD. Frameshift variants in OCA2 are an established mechanism of disease. This variant is interpreted as pathogenic.

Blueprint Genetics
Classification: Pathogenic for OCA2-related disorders. Last evaluated: 2024-09-18. Review status: criteria provided, single submitter. Criteria: ACMG Guidelines, 2015. Collection method: clinical testing. Allele origin: germline. Affected: yes. Observed: 5 variant alleles.

Women's Health and Genetics/Laboratory Corporation of America, LabCorp
Classification: Pathogenic for Oculocutaneous albinism. Last evaluated: 2023-12-12. Review status: criteria provided, single submitter. Criteria: LabCorp Variant Classification Summary - May 2015. Collection method: clinical testing. Allele origin: germline.
Comment: Variant summary: OCA2 c.2055delT (p.Phe685LeufsX7) results in a premature termination codon, predicted to cause a truncation of the encoded protein or absence of the protein due to nonsense mediated decay, which are commonly known mechanisms for disease. The variant allele was found at a frequency of 2e-05 in 251180 control chromosomes. The variant has been reported as part of a complex allele in individuals affected with Oculocutaneous Albinism (Simeonov_2013). One submitter has cited clinical-significance assessments for this variant to ClinVar after 2014 and has classified the variant as pathogenic/likely pathogenic. Based on the evidence outlined above, the variant was classified as pathogenic.

Greenwood Genetic Center Diagnostic Laboratories, Greenwood Genetic Center
Classification: Pathogenic for Tyrosinase-positive oculocutaneous albinism. Last evaluated: 2023-10-12. Review status: criteria provided, single submitter. Criteria: ACMG Guidelines, 2015. Collection method: clinical testing. Allele origin: germline. Affected: yes.
Comment: PVS1, PM2, PM3

HudsonAlpha Institute for Biotechnology
Classification: Pathogenic for Tyrosinase-positive oculocutaneous albinism. Last evaluated: 2014-09-11. Review status: criteria provided, single submitter. Criteria: HA_assertions_20150911. Collection method: research. Allele origin: maternal. Affected: yes. Observed: 2 variant alleles. Study: CSER-HudsonAlpha.

Literature cited by the submitters: PubMed 19865097 (cited by Labcorp Genetics (formerly Invitae), Labcorp); PubMed 21541274 (cited by Labcorp Genetics (formerly Invitae), Labcorp); PubMed 23504663 (cited by Labcorp Genetics (formerly Invitae), Labcorp and Women's Health and Genetics/Laboratory Corporation of America, LabCorp).

NM_000275.3(OCA2):c.2055del (p.Phe685fs)

Gene: OCA2 (OCA2 melanosomal transmembrane protein; minus strand). Cytogenetic location: 15q13.1.
Variant type: Deletion.
Coding change: c.2055del on transcript NM_000275.3 (MANE Select); coding-DNA position 2055, one base deleted (T; older notation c.2055delT).
Protein change: p.Phe685fs; shifts the reading frame from phenylalanine 685.
Molecular consequence: frameshift variant.
Genome position (GRCh38, 1-based): chr15:27,926,151, A deleted on the plus strand (T on the coding strand, the reverse complement: OCA2 is on the minus strand); the first of 6 consecutive A bases (chr15:27,926,151-27,926,156); deleting any one gives the same sequence. VCF-style (leftmost placement, unchanged base first): chr15-27926150-CA-C. GRCh37 (hg19) VCF-style: chr15-28171296-CA-C.
Other names: c.1983del, p.Phe661fs (NM_001300984.2); c.2055delT (NM_000275.3); short protein forms F661fs, F685fs.
Identifiers: ClinVar variation 430966 (VCV000430966.14), dbSNP rs772595552, ClinGen allele CA7438783.
Genomic context (GRCh38, chr15:27,926,150, plus strand): 5'-GGTAAAATGCCATATGGCAAAAGTTCTAAAATCTTACCTCCATCAGAACAAAGAGCGCTG[CA>C]AAAAACAGAAGGGTTGCCCATTCCACTCTGTGTAGAATTATCTCAAAATCATGAATATCA-3'